The following is an entry in ClinVar:

ClinVar aggregate classification (germline): Likely benign. Review status: criteria provided, multiple submitters, no conflicts (2 of 4 stars). 2 submissions from 2 submitters: Likely benign (2). Last evaluated 2026-07-08.

Conditions:
DST-related disorder. Also called: DST-related condition; DST-related disorders.
Hereditary sensory and autonomic neuropathy type 6. Also called: HSAN VI; Neuropathy, hereditary sensory and autonomic, type VI. Identifiers: Orphanet 314381, MedGen C3539003, MONDO:0013839, OMIM 614653.
Epidermolysis bullosa simplex 3, localized or generalized intermediate, with BP230 deficiency (EBS3). Also called: Epidermolysis bullosa simplex, autosomal recessive 2; Epidermolysis bullosa simplex due to BP230 deficiency. Identifiers: Orphanet 412181, MedGen C3809470, MONDO:0014180, OMIM 615425.

Allele frequency attached by ClinVar (database versions not stated): gnomAD exomes 0.00001 and 0.00002; ExAC 0.00003; gnomAD 0.00005 and 0.00006; TOPMed 0.00011.
gnomAD v4.1: 19 of 1,614,002 alleles (0.0012%); highest among the groups gnomAD compares: African/African-American, 0.023%; no homozygotes.

Submissions (2):

PreventionGenetics, part of Exact Sciences
Classification: Likely benign for DST-related condition. Last evaluated: 2026-07-08. Review status: criteria provided, single submitter. Criteria: ACMG Guidelines, 2015. Collection method: clinical testing. Allele origin: germline.
Comment: This variant is classified as likely benign based on ACMG/AMP sequence variant interpretation guidelines (Richards et al. 2015 PMID: 25741868, with internal and published modifications).

Labcorp Genetics (formerly Invitae), Labcorp
Classification: Likely benign for Epidermolysis bullosa simplex 3, localized or generalized intermediate, with BP230 deficiency; Hereditary sensory and autonomic neuropathy type 6. Last evaluated: 2024-12-10. Review status: criteria provided, single submitter. Criteria: Invitae Variant Classification Sherloc (09022015). Collection method: clinical testing. Allele origin: germline.

NM_001723.7(DST):c.5052G>A (p.Leu1684=)

Gene: DST (dystonin; minus strand). Cytogenetic location: 6p12.1.
Variant type: single nucleotide variant.
Coding change: c.5052G>A on transcript NM_001723.7 (MANE Plus Clinical); coding-DNA position 5052, G replaced by A.
Protein change: p.Leu1684=; no amino-acid change (leucine 1684 retained).
Molecular consequence: synonymous variant. On other transcripts: intron variant (10).
Genome position (GRCh38, 1-based): chr6:56,618,982, C>T on the plus strand (G>A on the coding strand, the complement: DST is on the minus strand). VCF-style: chr6-56618982-C-T. GRCh37 (hg19) VCF-style: chr6-56483780-C-T.
Other names: c.4831-4498G>A (NM_001144769.5); c.4930-4498G>A (NM_001374722.1, NM_001374736.1); c.4957-4498G>A (NM_001374734.1); c.4417-4498G>A (NM_001144770.2); c.4297-4498G>A (NM_001374730.1, NM_001386100.1, NM_183380.4 and 1 more transcripts); c.3319-4498G>A (NM_015548.5); c.5052G>A (NM_001723.5).
Identifiers: ClinVar variation 1079882 (VCV001079882.10), dbSNP rs757615570, ClinGen allele CA3870430.